The following is an entry in ClinVar:

NM_004859.4(CLTC):c.4434+5A>G

Genes: CLTC (clathrin heavy chain; plus strand), LOC126862609 (CDK7 strongly-dependent group 2 enhancer GRCh37_chr17:57760547-57761746; plus strand). Cytogenetic location: 17q23.1.
Variant type: single nucleotide variant.
Coding change: c.4434+5A>G on transcript NM_004859.4 (MANE Select); 5 bases into the intron after coding-DNA position 4434, A replaced by G.
Molecular consequence: intron variant.
Genome position (GRCh38, 1-based): chr17:59,683,990, A>G. VCF-style: chr17-59683990-A-G. GRCh37 (hg19) VCF-style: chr17-57761351-A-G.
Other names: c.4446+5A>G (NM_001288653.2).
Identifiers: ClinVar variation 3654092 (VCV003654092.2).
Genomic context (GRCh38, chr17:59,683,990, plus strand): 5'-ACAAATCTGTGAATGAATCATTGAACAATCTTTTTATTACAGAAGAAGATTATCAGGTAA[A>G]ACCTTTTGATTCTTGCACATAATCTCAAGACTCATAAAGTTATGTTTTCCCATTTTTTAA-3'

ClinVar aggregate classification (germline): Uncertain significance (1 of 4 stars; one submission).

Submission:

Labcorp Genetics (formerly Invitae), Labcorp
Classification: Uncertain significance. Last evaluated: 2024-05-21. Review status: criteria provided, single submitter. Criteria: Invitae Variant Classification Sherloc (09022015). Collection method: clinical testing. Allele origin: germline.
Comment: This sequence change falls in intron 28 of the CLTC gene. It does not directly change the encoded amino acid sequence of the CLTC protein. It affects a nucleotide within the consensus splice site. This variant is not present in population databases (gnomAD no frequency). This variant has not been reported in the literature in individuals affected with CLTC-related conditions. Variants that disrupt the consensus splice site are a relatively common cause of aberrant splicing (PMID: 17576681, 9536098). Algorithms developed to predict the effect of sequence changes on RNA splicing suggest that this variant is not likely to affect RNA splicing. In summary, the available evidence is currently insufficient to determine the role of this variant in disease. Therefore, it has been classified as a Variant of Uncertain Significance.

Literature cited by the submitters: PubMed 17576681; PubMed 9536098.